The following is an entry in ClinVar:

NM_000218.3(KCNQ1):c.1669A>G (p.Lys557Glu)

Gene: KCNQ1 (potassium voltage-gated channel subfamily Q member 1; plus strand). Cytogenetic location: 11p15.5.
Variant type: single nucleotide variant.
Coding change: c.1669A>G on transcript NM_000218.3 (MANE Select); coding-DNA position 1669, A replaced by G.
Protein change: p.Lys557Glu; replaces lysine 557 with glutamic acid.
Molecular consequence: missense variant.
Genome position (GRCh38, 1-based): chr11:2,776,038, A>G. VCF-style: chr11-2776038-A-G. GRCh37 (hg19) VCF-style: chr11-2797268-A-G.
Other names: c.1669A>G (LRG_287t1); c.1573A>G, p.Lys525Glu (NM_001406836.1); c.1399A>G, p.Lys467Glu (NM_001406837.1); c.1129A>G, p.Lys377Glu (NM_001406838.1); c.1288A>G, p.Lys430Glu (NM_181798.2); short protein forms K557E, K430E, K377E, K525E, K467E.
Identifiers: ClinVar variation 67047 (VCV000067047.15), dbSNP rs199472801, ClinGen allele CA006153.
Genomic context (GRCh38, chr11:2,776,038, plus strand): 5'-GATGTGCGGGACGTCATTGAGCAGTACTCGCAGGGCCACCTCAACCTCATGGTGCGCATC[A>G]AGGAGCTGCAGAGGAGGTGGGCACGGCCAAACGGCAGCGGGGAGGGTGCCCAGGTCCTGC-3'
Protein context (NP_000209.2, residues 547-567): QGHLNLMVRI[Lys557Glu]ELQRRLDQSI

ClinVar aggregate classification (germline): Pathogenic/Likely pathogenic. Review status: criteria provided, multiple submitters, no conflicts (2 of 4 stars). 5 submissions from 5 submitters: Pathogenic (3); Likely pathogenic (1). 1 of the submissions does not count toward it. Last evaluated 2024-10-08.

Conditions:
Cardiovascular phenotype. Identifiers: MedGen CN230736.
KCNQ1-related disorder. Also called: KCNQ1-related condition; KCNQ1-related disorders. Identifiers: MedGen CN239322.
Familial long QT syndrome (RWS). Also called: Congenital long QT syndrome; Romano-Ward syndrome; VENTRICULAR FIBRILLATION WITH PROLONGED QT INTERVAL. Identifiers: Orphanet 768, MedGen C1141890, MONDO:0019171.
Long QT syndrome (LQTS). Identifiers: MedGen C0023976, MeSH D008133, MONDO:0002442. Disease mechanism: loss of function. Inheritance: Various modes of inheritance.

Submissions (5):

Blueprint Genetics
Classification: Likely pathogenic for KCNQ1-related disorders. Last evaluated: 2024-10-08. Review status: criteria provided, single submitter. Criteria: ACMG Guidelines, 2015. Collection method: clinical testing. Allele origin: germline. Affected: yes. Observed: 1 variant allele.

Ambry Genetics
Classification: Pathogenic for Cardiovascular phenotype. Last evaluated: 2024-02-12. Review status: criteria provided, single submitter. Criteria: Ambry Variant Classification Scheme 2023. Collection method: clinical testing. Allele origin: germline.
Comment: The p.K557E pathogenic mutation (also known as c.1669A>G), located in coding exon 13 of the KCNQ1 gene, results from an A to G substitution at nucleotide position 1669. The lysine at codon 557 is replaced by glutamic acid, an amino acid with similar properties. This variant was observed to co-segregate with long QT syndrome in eight relatives in a four-generation family (Jongbloed R et al. Hum Mutat. 2002;20(5):382-91; Sp&auml;tjens RL et al Cardiovasc Res. 2014;104(1):216-25). In a study of long QT syndrome clinical genetic testing, this alteration was reported in one patient (Kapplinger JD et al. Heart Rhythm. 2009;6(9):1297-303). Additionally, in vitro functional analyses indicated this variant adversely affects the voltage-gated potassium ion channel, resulting in decreased current density, prolongation of the channel activation threshold, and accelerated channel deactivation (Dvir M et al. J Cell Sci. 2014;127(Pt18):3943-55; Sp&auml;tjens RL et al Cardiovasc Res. 2014;104(1):216-25). This variant is considered to be rare based on population cohorts in the Genome Aggregation Database (gnomAD). This amino acid position is highly conserved in available vertebrate species. In addition, this alteration is predicted to be deleterious by in silico analysis. Based on the supporting evidence, this alteration is interpreted as a disease-causing mutation.

Labcorp Genetics (formerly Invitae), Labcorp
Classification: Pathogenic for Long QT syndrome. Last evaluated: 2020-10-05. Review status: criteria provided, single submitter. Criteria: Invitae Variant Classification Sherloc (09022015). Collection method: clinical testing. Allele origin: germline.
Comment: This sequence change replaces lysine with glutamic acid at codon 557 of the KCNQ1 protein (p.Lys557Glu). The lysine residue is highly conserved and there is a small physicochemical difference between lysine and glutamic acid. This variant is not present in population databases (ExAC no frequency). This variant has been observed in individual(s) with long QT syndrome (PMID: 25139741, 12402336). In at least one individual the variant was observed to be de novo. It has also been observed to segregate with disease in related individuals. ClinVar contains an entry for this variant (Variation ID: 67047). This variant has been reported to affect KCNQ1 protein function (PMID: 25139741, 25037568). For these reasons, this variant has been classified as Pathogenic.

GeneDx
Classification: Pathogenic. Last evaluated: 2017-04-26. Review status: criteria provided, single submitter. Criteria: GeneDx Variant Classification (06012015). Collection method: clinical testing. Allele origin: germline. Affected: yes.
Comment: The K557E variant in the KCNQ1 gene has been reported in a large kindred of Dutch ancestry with LQTS-associated features (SpÃ¤tjens et al., 2014). Moreover, the variant was de novo in the proband from this kindred, and non-paternity was excluded. In relatives, the variant segregated with moderate QTc prolongation (i.e. average 476+/-13ms) at rest, which was significantly augmented during exercise (i.e. >550ms). K557E has also been reported in additional individuals with LQTS and/or referred for LQTS testing (Jongbloed et al., 2002; Kapplinger et al., 2009; Barsheshet et al., 2012). The K557E variant is not observed in large population cohorts (Lek et al., 2016; 1000 Genomes Consortium et al., 2015; Exome Variant Server). The K557E variant is a non-conservative amino acid substitution, which is likely to impact secondary protein structure as these residues differ in polarity, charge, size and/or other properties. This substitution occurs at a position that is conserved across species, and in silico analysis predicts this variant is probably damaging to the protein structure/function. Furthermore, in vitro functional analysis of the KCNQ1-associated potassium channel showed that, in the presence of K557E, there was a decrease in current density, a voltage-right shift of channel activation, a faster current decline, and a weaker interaction with the KCNE1-associated protein, as compared to wild-type (Heijman et al., 2012, SpÃ¤tjens et al., 2014, Dvir et al., 2014).

Cardiovascular Biomedical Research Unit, Royal Brompton & Harefield NHS Foundation Trust
No classification provided. Condition: Familial long QT syndrome. Review status: no classification provided. Collection method: literature only. Allele origin: germline. Not counted in ClinVar's aggregate classification.
Comment: This variant has been reported as associated with Long QT syndrome in the following publications (PMID:12402336;PMID:19716085). This is a literature report, and does not necessarily reflect the clinical interpretation of the Imperial College / Royal Brompton Cardiovascular Genetics laboratory.

Literature cited by the submitters: PubMed 25139741 (cited by Labcorp Genetics (formerly Invitae), Labcorp); PubMed 12402336 (cited by Labcorp Genetics (formerly Invitae), Labcorp and Cardiovascular Biomedical Research Unit, Royal Brompton & Harefield NHS Foundation Trust); PubMed 25037568 (cited by Labcorp Genetics (formerly Invitae), Labcorp); PubMed 19716085 (cited by Cardiovascular Biomedical Research Unit, Royal Brompton & Harefield NHS Foundation Trust); PubMed 22581653 (cited by Cardiovascular Biomedical Research Unit, Royal Brompton & Harefield NHS Foundation Trust).